The following is an entry in ClinVar:

ClinVar aggregate classification (germline): Conflicting classifications of pathogenicity. Review status: criteria provided, conflicting classifications (1 of 4 stars). 2 submissions from 2 submitters: Uncertain significance (1); Likely benign (1). Last evaluated 2025-03-30.

Conditions:
Ehlers-Danlos syndrome, classic type, 1 (EDSCL1). Also called: Ehlers-Danlos syndrome, type 1; EHLERS-DANLOS SYNDROME, GRAVIS TYPE; EHLERS-DANLOS SYNDROME, SEVERE CLASSIC TYPE; EDS I; Ehlers-Danlos Syndrome, Classic Type, COL5A1-Related. Identifiers: MedGen C0268335, MONDO:0019567, OMIM 130000.

Allele frequency attached by ClinVar (database versions not stated): TOPMed below 0.00001; ExAC 0.00001; gnomAD exomes 0.00001; gnomAD 0.00001.
gnomAD v4.1: 15 of 1,613,846 alleles (0.00093%); highest among the groups gnomAD compares: Non-Finnish European, 0.0011%; no homozygotes.

Submissions (2):

Labcorp Genetics (formerly Invitae), Labcorp
Classification: Likely benign for Ehlers-Danlos syndrome, classic type, 1. Last evaluated: 2025-03-30. Review status: criteria provided, single submitter. Criteria: Invitae Variant Classification Sherloc (09022015). Collection method: clinical testing. Allele origin: germline.

GeneDx
Classification: Uncertain significance. Last evaluated: 2023-12-05. Review status: criteria provided, single submitter. Criteria: GeneDx Variant Classification Process June 2021. Collection method: clinical testing. Allele origin: germline. Affected: yes.
Comment: Has not been previously published as pathogenic or benign to our knowledge; Not observed at significant frequency in large population cohorts (gnomAD); In silico analysis supports that this missense variant has a deleterious effect on protein structure/function; Not located in the triple helical region, where the majority of pathogenic missense variants occur (PMID: 22696272; HGMD); This variant is associated with the following publications: (PMID: 22696272)

NM_000393.5(COL5A2):c.4412G>A (p.Arg1471His)

Gene: COL5A2 (collagen type V alpha 2 chain; minus strand). Cytogenetic location: 2q32.2.
Variant type: single nucleotide variant.
Coding change: c.4412G>A on transcript NM_000393.5 (MANE Select); coding-DNA position 4412, G replaced by A.
Protein change: p.Arg1471His; replaces arginine 1471 with histidine.
Molecular consequence: missense variant.
Genome position (GRCh38, 1-based): chr2:189,034,158, C>T on the plus strand (G>A on the coding strand, the complement: COL5A2 is on the minus strand). VCF-style: chr2-189034158-C-T. GRCh37 (hg19) VCF-style: chr2-189898884-C-T.
Other names: short protein forms R1471H.
Identifiers: ClinVar variation 946904 (VCV000946904.12), dbSNP rs781760462, ClinGen allele CA2021784.